The following is an entry in ClinVar:

NM_020884.7(MYH7B):c.4949C>T (p.Thr1650Met)

Gene: MYH7B (myosin heavy chain 7B; plus strand). Cytogenetic location: 20q11.22.
Variant type: single nucleotide variant.
Coding change: c.4949C>T on transcript NM_020884.7 (MANE Select); coding-DNA position 4949, C replaced by T.
Protein change: p.Thr1650Met; replaces threonine 1650 with methionine.
Molecular consequence: missense variant.
Genome position (GRCh38, 1-based): chr20:35,000,460, C>T. VCF-style: chr20-35000460-C-T. GRCh37 (hg19) VCF-style: chr20-33588263-C-T.
Other names: c.5075C>T (NM_020884.3); short protein forms T1650M.
Identifiers: ClinVar variation 1475022 (VCV001475022.7), dbSNP rs200207301, ClinGen allele CA9828379.

ClinVar aggregate classification (germline): Uncertain significance. Review status: criteria provided, multiple submitters, no conflicts (2 of 4 stars). 2 submissions from 2 submitters: Uncertain significance (2). Last evaluated 2025-11-12.

Allele frequency attached by ClinVar (database versions not stated): 1000 Genomes Project 30x 0.00031; 1000 Genomes Project 0.00060.
gnomAD v4.1: 141 of 1,601,924 alleles (0.0088%); highest among the groups gnomAD compares: South Asian, 0.11%; no homozygotes.

Submissions (2):

Labcorp Genetics (formerly Invitae), Labcorp
Classification: Uncertain significance. Last evaluated: 2025-11-12. Review status: criteria provided, single submitter. Criteria: Invitae Variant Classification Sherloc (09022015). Collection method: clinical testing. Allele origin: germline.
Comment: This sequence change replaces threonine, which is neutral and polar, with methionine, which is neutral and non-polar, at codon 1692 of the MYH7B protein (p.Thr1692Met). The frequency data for this variant in the population databases is considered unreliable, as metrics indicate poor data quality at this position in the gnomAD database. This variant has not been reported in the literature in individuals affected with MYH7B-related conditions. ClinVar contains an entry for this variant (Variation ID: 1475022). Invitae Evidence Modeling of protein sequence and biophysical properties (such as structural, functional, and spatial information, amino acid conservation, physicochemical variation, residue mobility, and thermodynamic stability) indicates that this missense variant is not expected to disrupt MYH7B protein function with a negative predictive value of 80%. In summary, the available evidence is currently insufficient to determine the role of this variant in disease. Therefore, it has been classified as a Variant of Uncertain Significance.

Ambry Genetics
Classification: Uncertain significance. Last evaluated: 2025-06-29. Review status: criteria provided, single submitter. Criteria: Ambry Variant Classification Scheme 2023. Collection method: clinical testing. Allele origin: germline.